The following is an entry in ClinVar:

ClinVar aggregate classification (germline): Likely pathogenic. Review status: criteria provided, multiple submitters, no conflicts (2 of 4 stars). 3 submissions from 3 submitters: Likely pathogenic (3). Last evaluated 2026-06-01.

Conditions:
Familial thoracic aortic aneurysm and aortic dissection (TAAD). Also called: Thoracic aortic aneurysms and dissections. Identifiers: Orphanet 91387, MedGen C4707243, MONDO:0019625.
Ehlers-Danlos syndrome, type 4 (EDSVASC). Also called: Ehlers-Danlos syndrome vascular type; Ehlers Danlos syndrome, ecchymotic type; Ehlers Danlos syndrome, arterial type; Ehlers Danlos syndrome, Sack-Barabas type; Ehlers-Danlos Syndrome Type IV. Identifiers: Orphanet 286, MedGen C0268338, MONDO:0017314, OMIM 130050.

Submissions (3):

CeGaT Center for Human Genetics Tuebingen
Classification: Likely pathogenic. Last evaluated: 2026-06-01. Review status: criteria provided, single submitter. Criteria: CeGaT Center For Human Genetics Tuebingen Variant Classification Criteria Version 2. Collection method: clinical testing. Allele origin: germline. Affected: yes. Observed: 2 variant alleles.
Comment: COL3A1: PVS1:Strong, PM2, PS4:Supporting

Ambry Genetics
Classification: Likely pathogenic for Familial thoracic aortic aneurysm and aortic dissection. Last evaluated: 2025-07-10. Review status: criteria provided, single submitter. Criteria: Ambry Variant Classification Scheme 2023. Collection method: clinical testing. Allele origin: germline.
Comment: The c.3256-1G>A intronic variant results from a G to A substitution one nucleotide before coding exon 45 of the COL3A1 gene. Alterations that disrupt the canonical splice site are expected to result in aberrant splicing. In silico splice site analysis predicts that this alteration will weaken the native splice acceptor site and will result in the creation or strengthening of a novel splice acceptor site. A resulting transcript is predicted to be in-frame and is not expected to trigger nonsense-mediated mRNAdecay; although, direct evidence is unavailable. However, the region predicted to be impacted is critical for protein function (Ambry internal data). This variant was reported in individual(s) with features consistent with vascular Ehlers-Danlos syndrome (S&oslash;lyst S et al. Clin Genet, 2022 Sep;102:191-200). This variant is considered to be rare based on population cohorts in the Genome Aggregation Database (gnomAD). This nucleotide position is highly conserved in available vertebrate species. Based on the majority of available evidence to date, this variant is likely to be pathogenic.

Labcorp Genetics (formerly Invitae), Labcorp
Classification: Likely pathogenic for Ehlers-Danlos syndrome, type 4. Last evaluated: 2019-08-07. Review status: criteria provided, single submitter. Criteria: Invitae Variant Classification Sherloc (09022015). Collection method: clinical testing. Allele origin: germline.
Comment: This variant has not been reported in the literature in individuals with COL3A1-related conditions. Algorithms developed to predict the effect of sequence changes on RNA splicing suggest that this variant may disrupt the consensus splice site, but this prediction has not been confirmed by published transcriptional studies. Donor and acceptor splice site variants typically lead to a loss of protein function (PMID: 16199547), and loss-of-function variants in COL3A1 are known to be pathogenic (PMID: 24922459). This sequence change affects an acceptor splice site in intron 44 of the COL3A1 gene. It is expected to disrupt RNA splicing and likely results in an absent or disrupted protein product. This variant is not present in population databases (ExAC no frequency). In summary, the currently available evidence indicates that the variant is pathogenic, but additional data are needed to prove that conclusively. Therefore, this variant has been classified as Likely Pathogenic.

Literature cited by the submitters: PubMed 35699227 (cited by Ambry Genetics); PubMed 16199547 (cited by Labcorp Genetics (formerly Invitae), Labcorp); PubMed 24922459 (cited by Labcorp Genetics (formerly Invitae), Labcorp).

NM_000090.4(COL3A1):c.3256-1G>A

Gene: COL3A1 (collagen type III alpha 1 chain; plus strand). Cytogenetic location: 2q32.2.
Variant type: single nucleotide variant.
Coding change: c.3256-1G>A on transcript NM_000090.4 (MANE Select); the canonical splice acceptor site of the intron before coding-DNA position 3256, G replaced by A.
Molecular consequence: splice acceptor variant.
Genome position (GRCh38, 1-based): chr2:189,007,499, G>A. VCF-style: chr2-189007499-G-A. GRCh37 (hg19) VCF-style: chr2-189872225-G-A.
Identifiers: ClinVar variation 950915 (VCV000950915.13), dbSNP rs1688619749, ClinGen allele CA349845519.